The following is an entry in ClinVar:

NM_001174096.2(ZEB1):c.2T>C (p.Met1Thr)

Genes: ZEB1 (zinc finger E-box binding homeobox 1; plus strand), ZEB1-AS1 (ZEB1 antisense RNA 1; minus strand), LOC130003630 (ATAC-STARR-seq lymphoblastoid silent region 2275; plus strand). Cytogenetic location: 10p11.22.
Variant type: single nucleotide variant.
Coding change: c.2T>C on transcript NM_001174096.2 (MANE Select); coding-DNA position 2, T replaced by C.
Protein change: p.Met1Thr; changes the start codon (methionine 1).
Molecular consequence: missense variant, initiator codon variant. On other transcripts: 5 prime UTR variant (9), intron variant (7).
Genome position (GRCh38, 1-based): chr10:31,319,236, T>C. VCF-style: chr10-31319236-T-C. GRCh37 (hg19) VCF-style: chr10-31608165-T-C.
Other names: c.2T>C, p.Met1Thr (NM_001174093.2, NM_001174095.2, NM_001323674.2 and 1 more transcripts); c.-796T>C (NM_001323647.2); c.-736T>C (NM_001323648.2); c.-799T>C (NM_001323649.2); c.-1031T>C (NM_001323650.2); c.-699T>C (NM_001323651.2); c.-848T>C (NM_001323652.2); c.-955T>C (NM_001323653.2); and 9 more; short protein forms M1T.
Identifiers: ClinVar variation 3724415 (VCV003724415.2).

ClinVar aggregate classification (germline): Likely pathogenic (1 of 4 stars; one submission).

Submission:

Labcorp Genetics (formerly Invitae), Labcorp
Classification: Likely pathogenic. Last evaluated: 2025-01-21. Review status: criteria provided, single submitter. Criteria: Invitae Variant Classification Sherloc (09022015). Collection method: clinical testing. Allele origin: germline.
Comment: This sequence change affects the initiator methionine of the ZEB1 mRNA. The next in-frame methionine is located at codon 219. This variant is not present in population databases (gnomAD no frequency). Disruption of the initiator codon has been observed in individuals with posterior polymorphous corneal dystrophy (PMID: 17935237, 19997581, 36613650). In summary, the currently available evidence indicates that the variant is pathogenic, but additional data are needed to prove that conclusively. Therefore, this variant has been classified as Likely Pathogenic.

Literature cited by the submitters: PubMed 17935237; PubMed 19997581; PubMed 36613650.